The following is an entry in ClinVar:

ClinVar aggregate classification (germline): Benign (0 of 4 stars; one submission).

Conditions:
DCHS2-related disorder. Also called: DCHS2-related condition.

Allele frequency attached by ClinVar (database versions not stated): 1000 Genomes Project 0.00020; ESP Exome Variant Server 0.00077; 1000 Genomes Project 30x 0.00078; gnomAD exomes 0.00087; gnomAD 0.00098; ExAC 0.00102; TOPMed 0.00115.
gnomAD v4.1: 1,470 of 1,614,178 alleles (0.091%); highest among the groups gnomAD compares: Middle Eastern, 0.35%; 6 homozygotes.

Submission:

PreventionGenetics, part of Exact Sciences
Classification: Benign for DCHS2-related condition. Last evaluated: 2019-09-06. Review status: no assertion criteria provided. Collection method: clinical testing. Allele origin: germline.
Comment: This variant is classified as benign based on ACMG/AMP sequence variant interpretation guidelines (Richards et al. 2015 PMID: 25741868, with internal and published modifications).

NM_001358235.2(DCHS2):c.3204G>A (p.Val1068=)

Gene: DCHS2 (dachsous cadherin-related 2; minus strand). Cytogenetic location: 4q31.3.
Variant type: single nucleotide variant.
Coding change: c.3204G>A on transcript NM_001358235.2 (MANE Select); coding-DNA position 3204, G replaced by A.
Protein change: p.Val1068=; no amino-acid change (valine 1068 retained).
Molecular consequence: synonymous variant.
Genome position (GRCh38, 1-based): chr4:154,333,004, C>T on the plus strand (G>A on the coding strand, the complement: DCHS2 is on the minus strand). VCF-style: chr4-154333004-C-T. GRCh37 (hg19) VCF-style: chr4-155254156-C-T.
Other names: c.3204G>A, p.Val1068= (NM_001142552.2, NM_001412223.1).
Identifiers: ClinVar variation 3039243 (VCV003039243.2), dbSNP rs143911538, ClinGen allele CA3113245.